The following is an entry in ClinVar:

NM_004991.4(MECOM):c.3452G>A (p.Arg1151Lys)

Gene: MECOM (MDS1 and EVI1 complex locus; minus strand). Cytogenetic location: 3q26.2.
Variant type: single nucleotide variant.
Coding change: c.3452G>A on transcript NM_004991.4 (MANE Select); coding-DNA position 3452, G replaced by A.
Protein change: p.Arg1151Lys; replaces arginine 1151 with lysine.
Molecular consequence: missense variant.
Genome position (GRCh38, 1-based): chr3:169,089,133, C>T on the plus strand (G>A on the coding strand, the complement: MECOM is on the minus strand). VCF-style: chr3-169089133-C-T. GRCh37 (hg19) VCF-style: chr3-168806921-C-T.
Other names: c.3083G>A, p.Arg1028Lys (NM_001105077.4); c.2888G>A, p.Arg963Lys (NM_001105078.4, NM_001205194.2, NM_001366469.2 and 1 more transcripts); c.2864G>A, p.Arg955Lys (NM_001163999.2, NM_001366470.2); c.2861G>A, p.Arg954Lys (NM_001164000.2, NM_001366471.2, NM_001366472.2); c.3425G>A, p.Arg1142Lys (NM_001366466.2); c.2891G>A, p.Arg964Lys (NM_001366467.2, NM_001366468.2); c.2453G>A, p.Arg818Lys (NM_001366473.2); c.1889G>A, p.Arg630Lys (NM_001366474.2); and 1 more; short protein forms R630K, R954K, R955K, R964K, R1028K, R818K, R963K, R1142K.
Identifiers: ClinVar variation 2891339 (VCV002891339.4), dbSNP rs1251037633, ClinGen allele CA355067325.

ClinVar aggregate classification (germline): Uncertain significance. Review status: criteria provided, multiple submitters, no conflicts (2 of 4 stars). 2 submissions from 2 submitters: Uncertain significance (2). Last evaluated 2025-01-01.

Conditions:
Inborn genetic diseases. Identifiers: MedGen C0950123, MeSH D030342.

Allele frequency attached by ClinVar (database versions not stated): TOPMed below 0.00001.
gnomAD v4.1: 2 of 1,598,402 alleles (0.00013%); highest among the groups gnomAD compares: Non-Finnish European, 0.00017%; no homozygotes.

Submissions (2):

Ambry Genetics
Classification: Uncertain significance for Inborn genetic diseases. Last evaluated: 2025-01-01. Review status: criteria provided, single submitter. Criteria: Ambry Variant Classification Scheme 2023. Collection method: clinical testing. Allele origin: germline.
Comment: The p.R1151K variant (also known as c.3452G>A), located in coding exon 16 of the MECOM gene, results from a G to A substitution at nucleotide position 3452. The arginine at codon 1151 is replaced by lysine, an amino acid with highly similar properties. This amino acid position is conserved. In addition, this alteration is predicted to be tolerated by in silico analysis. Based on the available evidence, the clinical significance of this variant remains unclear.

Labcorp Genetics (formerly Invitae), Labcorp
Classification: Uncertain significance. Last evaluated: 2024-09-11. Review status: criteria provided, single submitter. Criteria: Invitae Variant Classification Sherloc (09022015). Collection method: clinical testing. Allele origin: germline.
Comment: This sequence change replaces arginine, which is basic and polar, with lysine, which is basic and polar, at codon 963 of the MECOM protein (p.Arg963Lys). This variant is not present in population databases (gnomAD no frequency). This variant has not been reported in the literature in individuals affected with MECOM-related conditions. An algorithm developed to predict the effect of missense changes on protein structure and function (PolyPhen-2) suggests that this variant is likely to be tolerated. In summary, the available evidence is currently insufficient to determine the role of this variant in disease. Therefore, it has been classified as a Variant of Uncertain Significance.